The following is an entry in ClinVar:

NM_000231.3(SGCG):c.670A>G (p.Met224Val)

Gene: SGCG (sarcoglycan gamma; plus strand). Cytogenetic location: 13q12.12.
Variant type: single nucleotide variant.
Coding change: c.670A>G on transcript NM_000231.3 (MANE Select); coding-DNA position 670, A replaced by G.
Protein change: p.Met224Val; replaces methionine 224 with valine.
Molecular consequence: missense variant.
Genome position (GRCh38, 1-based): chr13:23,320,728, A>G. VCF-style: chr13-23320728-A-G. GRCh37 (hg19) VCF-style: chr13-23894867-A-G.
Other names: c.724A>G, p.Met242Val (NM_001378244.1); c.670A>G, p.Met224Val (NM_001378245.1, NM_001378246.1); short protein forms M224V, M242V.
Identifiers: ClinVar variation 530805 (VCV000530805.8), dbSNP rs372188878, ClinGen allele CA6909813.

ClinVar aggregate classification (germline): Uncertain significance. Review status: criteria provided, multiple submitters, no conflicts (2 of 4 stars). 3 submissions from 3 submitters: Uncertain significance (2). 1 of the submissions does not count toward it. Last evaluated 2025-02-04.

Conditions:
Autosomal recessive limb-girdle muscular dystrophy type 2C (LGMDR5). Also called: MUSCULAR DYSTROPHY, DUCHENNE-LIKE; MUSCULAR DYSTROPHY, LIMB-GIRDLE, AUTOSOMAL RECESSIVE 5. Identifiers: Orphanet 353, MedGen C0410173, MONDO:0009677, OMIM 253700. Disease mechanism: Affects gamma-sarcoglycan and also disrupts the integrity of the entire sarcoglycan complex..

Allele frequency attached by ClinVar (database versions not stated): gnomAD exomes 0.00002 and 0.00004; TOPMed 0.00002; ExAC 0.00003; gnomAD 0.00004; ESP Exome Variant Server 0.00008.
gnomAD v4.1: 64 of 1,613,600 alleles (0.004%); highest among the groups gnomAD compares: Non-Finnish European, 0.0053%; no homozygotes.

Submissions (3):

Revvity Omics, Revvity
Classification: Uncertain significance for Autosomal recessive limb-girdle muscular dystrophy type 2C. Last evaluated: 2025-02-04. Review status: criteria provided, single submitter. Criteria: ACMG Guidelines, 2015. Collection method: clinical testing. Allele origin: germline.

Labcorp Genetics (formerly Invitae), Labcorp
Classification: Uncertain significance for Autosomal recessive limb-girdle muscular dystrophy type 2C. Last evaluated: 2021-08-27. Review status: criteria provided, single submitter. Criteria: Invitae Variant Classification Sherloc (09022015). Collection method: clinical testing. Allele origin: germline.
Comment: This sequence change replaces methionine with valine at codon 224 of the SGCG protein (p.Met224Val). The methionine residue is moderately conserved and there is a small physicochemical difference between methionine and valine. This variant is present in population databases (rs372188878, ExAC 0.006%). This variant has not been reported in the literature in individuals affected with SGCG-related conditions. Algorithms developed to predict the effect of missense changes on protein structure and function (SIFT, PolyPhen-2, Align-GVGD) all suggest that this variant is likely to be tolerated. In summary, the available evidence is currently insufficient to determine the role of this variant in disease. Therefore, it has been classified as a Variant of Uncertain Significance.

Natera, Inc.
Classification: Uncertain significance for Limb-girdle muscular dystrophy type 2C. Last evaluated: 2019-11-11. Review status: no assertion criteria provided. Collection method: clinical testing. Allele origin: germline. Not counted in ClinVar's aggregate classification.